The following is an entry in ClinVar:

NM_000238.4(KCNH2):c.2261T>G (p.Leu754Arg)

Gene: KCNH2 (potassium voltage-gated channel subfamily H member 2; minus strand). Cytogenetic location: 7q36.1.
Variant type: single nucleotide variant.
Coding change: c.2261T>G on transcript NM_000238.4 (MANE Select); coding-DNA position 2261, T replaced by G.
Protein change: p.Leu754Arg; replaces leucine 754 with arginine.
Molecular consequence: missense variant.
Genome position (GRCh38, 1-based): chr7:150,950,305, A>C on the plus strand (T>G on the coding strand, the complement: KCNH2 is on the minus strand). VCF-style: chr7-150950305-A-C. GRCh37 (hg19) VCF-style: chr7-150647393-A-C.
Other names: p.L754R:CTG>CGG; c.1241T>G, p.Leu414Arg (NM_001204798.2, NM_172057.3); c.1973T>G, p.Leu658Arg (NM_001406753.1, NM_001406756.1); c.2084T>G, p.Leu695Arg (NM_001406755.1); c.1961T>G, p.Leu654Arg (NM_001406757.1); c.2261T>G, p.Leu754Arg (NM_172056.3); short protein forms L414R, L754R, L695R, L654R, L658R.
Identifiers: ClinVar variation 200767 (VCV000200767.4), dbSNP rs794728492, ClinGen allele CA006400.

ClinVar aggregate classification (germline): Uncertain significance (1 of 4 stars; one submission).

Submission:

GeneDx
Classification: Uncertain significance. Last evaluated: 2017-04-28. Review status: criteria provided, single submitter. Criteria: GeneDx Variant Classification (06012015). Collection method: clinical testing. Allele origin: germline. Affected: yes.
Comment: The L754R variant has not been published as a pathogenic variant, nor has it been reported as a benign variant to our knowledge. The L754R variant was not observed in approximately 6,500 individuals of European and African American ancestry in the NHLBI Exome Sequencing Project, indicating it is not a common benign variant in these populations. The L754R variant is a non-conservative amino acid substitution, which is likely to impact secondary protein structure as these residues differ in polarity, charge, size and/or other properties. Furthermore, this substitution occurs at a position that is conserved across species and in silico analysis predicts this variant is probably damaging to the protein structure/function. However, additional evidence is needed to determine whether this variant is pathogenic or benign.